The following is an entry in ClinVar:

ClinVar aggregate classification (germline): Benign (1 of 4 stars; one submission).

Conditions:
Oligodontia-cancer predisposition syndrome. Also called: TOOTH AGENESIS-COLORECTAL CANCER SYNDROME. Identifiers: Orphanet 300576, MedGen C1837750, MONDO:0012075, OMIM 608615. Disease mechanism: loss of function.

Submission:

Myriad Genetics, Inc.
Classification: Benign for Oligodontia-cancer predisposition syndrome. Last evaluated: 2024-07-09. Review status: criteria provided, single submitter. Criteria: Myriad Autosomal Dominant, Autosomal Recessive and X-Linked Classification Criteria (2023). Collection method: clinical testing. Allele origin: unknown.
Comment: This variant is considered benign. This variant is a silent/synonymous amino acid change and it is not expected to impact splicing.

NM_004655.4(AXIN2):c.2124G>T (p.Ser708=)

Gene: AXIN2 (axin 2; minus strand). Cytogenetic location: 17q24.1.
Variant type: single nucleotide variant.
Coding change: c.2124G>T on transcript NM_004655.4 (MANE Select); coding-DNA position 2124, G replaced by T.
Protein change: p.Ser708=; no amino-acid change (serine 708 retained).
Molecular consequence: synonymous variant.
Genome position (GRCh38, 1-based): chr17:65,536,337, C>A on the plus strand (G>T on the coding strand, the complement: AXIN2 is on the minus strand). VCF-style: chr17-65536337-C-A. GRCh37 (hg19) VCF-style: chr17-63532455-C-A.
Other names: c.1929G>T, p.Ser643= (NM_001363813.1).
Identifiers: ClinVar variation 3379000 (VCV003379000.1).